The following is an entry in ClinVar:

ClinVar aggregate classification (germline): Uncertain significance (1 of 4 stars; one submission).

Conditions:
Immunodeficiency 14 (IMD14A). Also called: ACTIVATED PI3K-DELTA SYNDROME 1; p110-DELTA-ACTIVATING MUTATION CAUSING SENESCENT T CELLS, LYMPHADENOPATHY, AND IMMUNODEFICIENCY; Activated PI3K Delta Syndrome Type 1 (APDS1); IMMUNODEFICIENCY 14A WITH LYMPHOPROLIFERATION, AUTOSOMAL DOMINANT. Identifiers: Orphanet 397596, Orphanet 693661, MedGen C5907821, MONDO:0014222, OMIM 615513.

Submission:

Labcorp Genetics (formerly Invitae), Labcorp
Classification: Uncertain significance for Activated PI3K-delta syndrome. Last evaluated: 2023-08-29. Review status: criteria provided, single submitter. Criteria: Invitae Variant Classification Sherloc (09022015). Collection method: clinical testing. Allele origin: germline.
Comment: In summary, the available evidence is currently insufficient to determine the role of this variant in disease. Therefore, it has been classified as a Variant of Uncertain Significance. Advanced modeling of protein sequence and biophysical properties (such as structural, functional, and spatial information, amino acid conservation, physicochemical variation, residue mobility, and thermodynamic stability) performed at Invitae indicates that this missense variant is not expected to disrupt PIK3CD protein function. This variant has not been reported in the literature in individuals affected with PIK3CD-related conditions. This variant is not present in population databases (gnomAD no frequency). This sequence change replaces lysine, which is basic and polar, with arginine, which is basic and polar, at codon 433 of the PIK3CD protein (p.Lys433Arg).

NM_005026.5(PIK3CD):c.1298A>G (p.Lys433Arg)

Genes: PIK3CD (phosphatidylinositol-4,5-bisphosphate 3-kinase catalytic subunit delta; plus strand), LOC126805612 (MED14-independent group 3 enhancer GRCh37_chr1:9778914-9780113; plus strand). Cytogenetic location: 1p36.22.
Variant type: single nucleotide variant.
Coding change: c.1298A>G on transcript NM_005026.5 (MANE Select); coding-DNA position 1298, A replaced by G.
Protein change: p.Lys433Arg; replaces lysine 433 with arginine.
Molecular consequence: missense variant.
Genome position (GRCh38, 1-based): chr1:9,719,976, A>G. VCF-style: chr1-9719976-A-G. GRCh37 (hg19) VCF-style: chr1-9780034-A-G.
Other names: c.1298A>G, p.Lys433Arg (NM_001350234.2); c.1211A>G, p.Lys404Arg (NM_001350235.1); short protein forms K404R, K433R.
Identifiers: ClinVar variation 2854467 (VCV002854467.3), dbSNP rs2524986539, ClinGen allele CA338302564.